The following is an entry in ClinVar:

NM_007289.4(MME):c.1499T>C (p.Leu500Ser)

Gene: MME (membrane metalloendopeptidase; plus strand). Cytogenetic location: 3q25.2.
Variant type: single nucleotide variant.
Coding change: c.1499T>C on transcript NM_007289.4 (MANE Select); coding-DNA position 1499, T replaced by C.
Protein change: p.Leu500Ser; replaces leucine 500 with serine.
Molecular consequence: missense variant.
Genome position (GRCh38, 1-based): chr3:155,148,551, T>C. VCF-style: chr3-155148551-T-C. GRCh37 (hg19) VCF-style: chr3-154866340-T-C.
Other names: c.1499T>C, p.Leu500Ser (NM_000902.5, NM_001354642.2, NM_001354643.1 and 2 more transcripts); short protein forms L500S.
Identifiers: ClinVar variation 1309408 (VCV001309408.25), dbSNP rs200284858, ClinGen allele CA85833743.

ClinVar aggregate classification (germline): Uncertain significance. Review status: criteria provided, multiple submitters, no conflicts (2 of 4 stars). 5 submissions from 5 submitters: Uncertain significance (5). Last evaluated 2026-02-17.

Conditions:
Inborn genetic diseases. Identifiers: MedGen C0950123, MeSH D030342.

Allele frequency attached by ClinVar (database versions not stated): TOPMed 0.00002; gnomAD 0.00001; gnomAD exomes 0.00001 and 0.00002.

Submissions (5):

Women's Health and Genetics/Laboratory Corporation of America, LabCorp
Classification: Uncertain significance. Last evaluated: 2026-02-17. Review status: criteria provided, single submitter. Criteria: LabCorp Variant Classification Summary - May 2015. Collection method: clinical testing. Allele origin: germline.
Comment: Variant summary: MME c.1499T>C (p.Leu500Ser) results in a non-conservative amino acid change in the encoded protein sequence. Algorithms developed to predict the effect of missense changes on protein structure and function all suggest that this variant is likely to be disruptive. Consensus agreement among computation tools predict no significant impact on normal splicing. However, these predictions have yet to be confirmed by functional studies. The variant allele was found at a frequency of 1.6e-05 in 250022 control chromosomes. The available data on variant occurrences in the general population are insufficient to allow any conclusion about variant significance. To our knowledge, no occurrence of c.1499T>C in individuals affected with MME-related conditions and no experimental evidence demonstrating its impact on protein function have been reported. ClinVar contains an entry for this variant (Variation ID: 1309408). Based on the evidence outlined above, the variant was classified as uncertain significance.

Ambry Genetics
Classification: Uncertain significance for Inborn genetic diseases. Last evaluated: 2025-12-16. Review status: criteria provided, single submitter. Criteria: Ambry Variant Classification Scheme 2023. Collection method: clinical testing. Allele origin: germline.

Labcorp Genetics (formerly Invitae), Labcorp
Classification: Uncertain significance. Last evaluated: 2025-11-23. Review status: criteria provided, single submitter. Criteria: Invitae Variant Classification Sherloc (09022015). Collection method: clinical testing. Allele origin: germline.
Comment: This sequence change replaces leucine, which is neutral and non-polar, with serine, which is neutral and polar, at codon 500 of the MME protein (p.Leu500Ser). This variant is present in population databases (rs200284858, gnomAD 0.004%). This variant has not been reported in the literature in individuals affected with MME-related conditions. ClinVar contains an entry for this variant (Variation ID: 1309408). An algorithm developed to predict the effect of missense changes on protein structure and function (PolyPhen-2) suggests that this variant is likely to be disruptive. In summary, the available evidence is currently insufficient to determine the role of this variant in disease. Therefore, it has been classified as a Variant of Uncertain Significance.

GeneDx
Classification: Uncertain significance. Last evaluated: 2025-09-19. Review status: criteria provided, single submitter. Criteria: GeneDx Variant Classification Process June 2021. Collection method: clinical testing. Allele origin: germline. Affected: yes.
Comment: Not observed at significant frequency in large population cohorts (gnomAD); In silico analysis supports that this missense variant has a deleterious effect on protein structure/function; Has not been previously published as pathogenic or benign to our knowledge

CeGaT Center for Human Genetics Tuebingen
Classification: Uncertain significance. Last evaluated: 2024-08-01. Review status: criteria provided, single submitter. Criteria: CeGaT Center For Human Genetics Tuebingen Variant Classification Criteria Version 2. Collection method: clinical testing. Allele origin: germline. Affected: yes. Observed: 1 variant allele.
Comment: MME: PM2